The following is an entry in ClinVar:

NM_006371.5(CRTAP):c.412G>A (p.Val138Met)

Gene: CRTAP (cartilage associated protein; plus strand). Cytogenetic location: 3p22.3.
Variant type: single nucleotide variant.
Coding change: c.412G>A on transcript NM_006371.5 (MANE Select); coding-DNA position 412, G replaced by A.
Protein change: p.Val138Met; replaces valine 138 with methionine.
Molecular consequence: missense variant.
Genome position (GRCh38, 1-based): chr3:33,114,489, G>A. VCF-style: chr3-33114489-G-A. GRCh37 (hg19) VCF-style: chr3-33155981-G-A.
Other names: c.412G>A, p.Val138Met (NM_001393363.1, NM_001393364.1, NM_001393365.1); short protein forms V138M.
Identifiers: ClinVar variation 2017386 (VCV002017386.1), dbSNP rs776984474, ClinGen allele CA2300265.

ClinVar aggregate classification (germline): Uncertain significance (1 of 4 stars; one submission).

Conditions:
Osteogenesis imperfecta type 7 (OI7). Also called: Osteogenesis imperfecta, perinatal lethal autosomal recessive; OI type IIB; Osteogenesis imperfecta type 2B; OI type 2B; OI type 7; OI type VII. Identifiers: MedGen C1853162, MONDO:0012536, OMIM 610682.

Allele frequency attached by ClinVar (database versions not stated): gnomAD 0.00001; TOPMed 0.00001; ExAC 0.00002.
gnomAD v4.1: 4 of 1,603,704 alleles (0.00025%); highest among the groups gnomAD compares: African/African-American, 0.0027%; no homozygotes.

Submission:

Labcorp Genetics (formerly Invitae), Labcorp
Classification: Uncertain significance for Osteogenesis imperfecta type 7. Last evaluated: 2022-03-13. Review status: criteria provided, single submitter. Criteria: Invitae Variant Classification Sherloc (09022015). Collection method: clinical testing. Allele origin: germline.
Comment: This sequence change replaces valine, which is neutral and non-polar, with methionine, which is neutral and non-polar, at codon 138 of the CRTAP protein (p.Val138Met). This variant is present in population databases (rs776984474, gnomAD 0.007%). This variant has not been reported in the literature in individuals affected with CRTAP-related conditions. Algorithms developed to predict the effect of missense changes on protein structure and function are either unavailable or do not agree on the potential impact of this missense change (SIFT: "Deleterious"; PolyPhen-2: "Benign"; Align-GVGD: "Class C0"). In summary, the available evidence is currently insufficient to determine the role of this variant in disease. Therefore, it has been classified as a Variant of Uncertain Significance.